The following is an entry in ClinVar:

NM_001166108.2(PALLD):c.1965-12708T>G

Gene: PALLD (palladin, cytoskeletal associated protein; plus strand). Cytogenetic location: 4q32.3.
Variant type: single nucleotide variant.
Coding change: c.1965-12708T>G on transcript NM_001166108.2 (MANE Select); 12708 bases into the intron before coding-DNA position 1965, T replaced by G.
Molecular consequence: intron variant. On other transcripts: missense variant (1).
Genome position (GRCh38, 1-based): chr4:168,878,214, T>G. VCF-style: chr4-168878214-T-G. GRCh37 (hg19) VCF-style: chr4-169799365-T-G.
Other names: c.323T>G, p.Phe108Cys (NM_001166110.2); c.1965-12708T>G (NM_016081.4); c.819-12708T>G (NM_001166109.2); c.-157-12708T>G (NM_001367570.1, NM_001367568.1, NM_001367567.1 and 1 more transcripts); c.323T>G (NM_001166110.1); short protein forms F108C.
Identifiers: ClinVar variation 1404161 (VCV001404161.9), dbSNP rs1281589180, ClinGen allele CA358796262.

ClinVar aggregate classification (germline): Uncertain significance. Review status: criteria provided, multiple submitters, no conflicts (2 of 4 stars). 2 submissions from 2 submitters: Uncertain significance (2). Last evaluated 2025-04-23.

Conditions:
Pancreatic adenocarcinoma. Identifiers: MedGen C0281361, MONDO:0006047, HP:0006725.

Allele frequency attached by ClinVar (database versions not stated): gnomAD 0.00001; gnomAD exomes 0.00001; TOPMed 0.00001.
gnomAD v4.1: 10 of 1,518,662 alleles (0.00066%); highest among the groups gnomAD compares: Non-Finnish European, 0.00088%; no homozygotes.

Submissions (2):

Ambry Genetics
Classification: Uncertain significance. Last evaluated: 2025-04-23. Review status: criteria provided, single submitter. Criteria: Ambry Variant Classification Scheme 2023. Collection method: clinical testing. Allele origin: germline.
Comment: The p.F108C variant (also known as c.323T>G), located in coding exon 1 of the PALLD gene, results from a T to G substitution at nucleotide position 323. The phenylalanine at codon 108 is replaced by cysteine, an amino acid with highly dissimilar properties. This amino acid position is well conserved in available vertebrate species. In addition, this alteration is predicted to be tolerated by in silico analysis.The evidence for this gene-disease relationship is limited; therefore, the clinical significance of this alteration is unclear.

Labcorp Genetics (formerly Invitae), Labcorp
Classification: Uncertain significance for Pancreatic adenocarcinoma. Last evaluated: 2020-12-03. Review status: criteria provided, single submitter. Criteria: Invitae Variant Classification Sherloc (09022015). Collection method: clinical testing. Allele origin: germline.
Comment: This sequence change replaces phenylalanine with cysteine at codon 108 of the PALLD protein (p.Phe108Cys). The phenylalanine residue is highly conserved and there is a large physicochemical difference between phenylalanine and cysteine. The frequency data for this variant in the population databases is considered unreliable, as metrics indicate insufficient coverage at this position in the ExAC database. This variant has not been reported in the literature in individuals with PALLD-related conditions. Algorithms developed to predict the effect of missense changes on protein structure and function (SIFT, PolyPhen-2, Align-GVGD) all suggest that this variant is likely to be disruptive, but these predictions have not been confirmed by published functional studies and their clinical significance is uncertain. In summary, the available evidence is currently insufficient to determine the role of this variant in disease. Therefore, it has been classified as a Variant of Uncertain Significance.